The following is an entry in ClinVar:

ClinVar aggregate classification (germline): Likely pathogenic (1 of 4 stars; one submission).

Submission:

GeneDx
Classification: Likely pathogenic. Last evaluated: 2026-05-12. Review status: criteria provided, single submitter. Criteria: GeneDx Variant Classification Process June 2021. Collection method: clinical testing. Allele origin: germline.
Comment: Not observed at significant frequency in large population cohorts (gnomAD); In silico analysis supports that this missense variant has a deleterious effect on protein structure/function; Has not been previously published as pathogenic or benign to our knowledge; This variant is associated with the following publications: (PMID: 20473311)

NM_001111125.3(IQSEC2):c.1058C>T (p.Thr353Ile)

Gene: IQSEC2 (IQ motif and Sec7 domain ArfGEF 2; minus strand). Cytogenetic location: Xp11.22.
Variant type: single nucleotide variant.
Coding change: c.1058C>T on transcript NM_001111125.3 (MANE Select); coding-DNA position 1058, C replaced by T.
Protein change: p.Thr353Ile; replaces threonine 353 with isoleucine.
Molecular consequence: missense variant.
Genome position (GRCh38, 1-based): chrX:53,254,873, G>A on the plus strand (C>T on the coding strand, the complement: IQSEC2 is on the minus strand). VCF-style: chrX-53254873-G-A. GRCh37 (hg19) VCF-style: chrX-53284055-G-A.
Other names: c.1058C>T, p.Thr353Ile (NM_001410736.1); c.443C>T, p.Thr148Ile (NM_015075.2); short protein forms T148I, T353I.
Identifiers: ClinVar variation 4072540 (VCV004072540.2).